The following is an entry in ClinVar:

NM_001370100.5(ZMYND11):c.373A>G (p.Lys125Glu)

Gene: ZMYND11 (zinc finger MYND-type containing 11; plus strand). Cytogenetic location: 10p15.3.
Variant type: single nucleotide variant.
Coding change: c.373A>G on transcript NM_001370100.5 (MANE Select); coding-DNA position 373, A replaced by G.
Protein change: p.Lys125Glu; replaces lysine 125 with glutamic acid.
Molecular consequence: missense variant. On other transcripts: non-coding transcript variant (1), intron variant (18).
Genome position (GRCh38, 1-based): chr10:221,291, A>G. VCF-style: chr10-221291-A-G. GRCh37 (hg19) VCF-style: chr10-267231-A-G.
Other names: c.373A>G, p.Lys125Glu (NM_001161482.1, NM_001202468.1, NM_001370097.3 and 11 more transcripts); c.322A>G, p.Lys108Glu (NM_001330057.3, NM_001370112.2); c.307A>G, p.Lys103Glu (NM_001370116.2); c.253A>G, p.Lys85Glu (NM_001370118.2); c.276+11243A>G (NM_001370103.2, NM_001370104.2, NM_001370105.2 and 11 more transcripts); c.210+11243A>G (NM_001370120.2); c.-33-15547A>G (NM_001370124.3); c.225+11243A>G (NM_001370123.2); and 1 more; short protein forms K103E, K108E, K125E, K85E.
Identifiers: ClinVar variation 2502594 (VCV002502594.2), dbSNP rs2539524738, ClinGen allele CA375842954.
Genomic context (GRCh38, chr10:221,291, plus strand): 5'-GAATGCCATTTGCCTGGAGAGGTGTTGATATGTGACCTGTGTTTTCGTGTGTATCATTCC[A>G]AGTGTTTGTCTGATGAGTTCAGGCTTAGAGACAGCAGTAGTCCCTGGCAGTGCCCAGTTT-3'
Protein context (NP_001357029.1, residues 115-135): CDLCFRVYHS[Lys125Glu]CLSDEFRLRD

ClinVar aggregate classification (germline): Uncertain significance (1 of 4 stars; one submission).

gnomAD v4.1: 1 of 1,613,948 alleles (0.000062%); highest among the groups gnomAD compares: Admixed American, 0.0017%; no homozygotes.

Submission:

GeneDx
Classification: Uncertain significance. Last evaluated: 2024-07-18. Review status: criteria provided, single submitter. Criteria: GeneDx Variant Classification Process June 2021. Collection method: clinical testing. Allele origin: germline.
Comment: Not observed at significant frequency in large population cohorts (gnomAD); In silico analysis indicates that this missense variant does not alter protein structure/function; Has not been previously published as pathogenic or benign to our knowledge